The following is an entry in ClinVar:

NM_001134407.3(GRIN2A):c.1541T>G (p.Ile514Ser)

Gene: GRIN2A (glutamate ionotropic receptor NMDA type subunit 2A; minus strand). Cytogenetic location: 16p13.2.
Variant type: single nucleotide variant.
Coding change: c.1541T>G on transcript NM_001134407.3 (MANE Select); coding-DNA position 1541, T replaced by G.
Protein change: p.Ile514Ser; replaces isoleucine 514 with serine.
Molecular consequence: missense variant.
Genome position (GRCh38, 1-based): chr16:9,840,757, A>C on the plus strand (T>G on the coding strand, the complement: GRIN2A is on the minus strand). VCF-style: chr16-9840757-A-C. GRCh37 (hg19) VCF-style: chr16-9934614-A-C.
Other names: c.1541T>G, p.Ile514Ser (NM_000833.5, NM_001134408.2); short protein forms I514S.
Identifiers: ClinVar variation 4689803 (VCV004689803.1).

ClinVar aggregate classification (germline): Pathogenic (1 of 4 stars; one submission).

Submission:

GeneDx
Classification: Pathogenic. Last evaluated: 2025-08-02. Review status: criteria provided, single submitter. Criteria: GeneDx Variant Classification Process June 2021. Collection method: clinical testing. Allele origin: germline. Affected: yes.
Comment: Not observed at significant frequency in large population cohorts (gnomAD); In silico analysis supports that this missense variant has a deleterious effect on protein structure/function; Has not been previously published as pathogenic or benign to our knowledge; This variant is associated with the following publications: (PMID: 27839871)